The following is an entry in ClinVar:

ClinVar aggregate classification (germline): Uncertain significance. Review status: criteria provided, multiple submitters, no conflicts (2 of 4 stars). 4 submissions from 4 submitters: Uncertain significance (4). Last evaluated 2026-03-27.

Conditions:
Inborn genetic diseases. Identifiers: MedGen C0950123, MeSH D030342.
Leukodystrophy, hypomyelinating, 8, with or without oligodontia and/or hypogonadotropic hypogonadism. Also called: Hypomyelinating leukodystrophy 8 with or without oligodontia and-or hypogonadotropic hypogonadism; LEUKODYSTROPHY, HYPOMYELINATING, 8, WITH HYPODONTIA AND HYPOGONADOTROPIC HYPOGONADISM; Endosteal sclerosis-cerebellar hypoplasia syndrome. Identifiers: Orphanet 85186, Orphanet 88637, MedGen C3280644, MONDO:0013722, OMIM 614381.

Allele frequency attached by ClinVar (database versions not stated): gnomAD exomes 0.00001 and 0.00003; TOPMed 0.00012; ESP Exome Variant Server 0.00015; ExAC 0.00002; gnomAD 0.00007 and 0.00006.

Submissions (4):

GeneDx
Classification: Uncertain significance. Last evaluated: 2026-03-27. Review status: criteria provided, single submitter. Criteria: GeneDx Variant Classification Process June 2021. Collection method: clinical testing. Allele origin: germline.
Comment: In silico analysis suggests that this missense variant does not alter protein structure/function; Has not been previously published as pathogenic or benign to our knowledge

Labcorp Genetics (formerly Invitae), Labcorp
Classification: Uncertain significance. Last evaluated: 2025-10-02. Review status: criteria provided, single submitter. Criteria: Invitae Variant Classification Sherloc (09022015). Collection method: clinical testing. Allele origin: germline.
Comment: This sequence change replaces isoleucine, which is neutral and non-polar, with valine, which is neutral and non-polar, at codon 803 of the POLR3B protein (p.Ile803Val). This variant is present in population databases (rs372387469, gnomAD 0.02%). This variant has not been reported in the literature in individuals affected with POLR3B-related conditions. ClinVar contains an entry for this variant (Variation ID: 1032790). Invitae Evidence Modeling of protein sequence and biophysical properties (such as structural, functional, and spatial information, amino acid conservation, physicochemical variation, residue mobility, and thermodynamic stability) indicates that this missense variant is not expected to disrupt POLR3B protein function with a negative predictive value of 80%. In summary, the available evidence is currently insufficient to determine the role of this variant in disease. Therefore, it has been classified as a Variant of Uncertain Significance.

Ambry Genetics
Classification: Uncertain significance for Inborn genetic diseases. Last evaluated: 2023-12-18. Review status: criteria provided, single submitter. Criteria: Ambry Variant Classification Scheme 2023. Collection method: clinical testing. Allele origin: germline.

Baylor Genetics
Classification: Uncertain significance for Leukodystrophy, hypomyelinating, 8, with or without oligodontia and/or hypogonadotropic hypogonadism. Last evaluated: 2018-01-24. Review status: criteria provided, single submitter. Criteria: ACMG Guidelines, 2015. Collection method: clinical testing. Allele origin: unknown. Affected: yes.
Comment: This variant was determined to be of uncertain significance according to ACMG Guidelines, 2015 [PMID:25741868].

NM_018082.6(POLR3B):c.2407A>G (p.Ile803Val)

Gene: POLR3B (RNA polymerase III subunit B; plus strand). Cytogenetic location: 12q23.3.
Variant type: single nucleotide variant.
Coding change: c.2407A>G on transcript NM_018082.6 (MANE Select); coding-DNA position 2407, A replaced by G.
Protein change: p.Ile803Val; replaces isoleucine 803 with valine.
Molecular consequence: missense variant.
Genome position (GRCh38, 1-based): chr12:106,457,251, A>G. VCF-style: chr12-106457251-A-G. GRCh37 (hg19) VCF-style: chr12-106851029-A-G.
Other names: c.2233A>G, p.Ile745Val (NM_001160708.2); short protein forms I745V, I803V.
Identifiers: ClinVar variation 1032790 (VCV001032790.6), dbSNP rs372387469, ClinGen allele CA6762180.